The following is an entry in ClinVar:

NM_000252.3(MTM1):c.1260+134C>T

Gene: MTM1 (myotubularin 1; plus strand). Cytogenetic location: Xq28.
Variant type: single nucleotide variant.
Coding change: c.1260+134C>T on transcript NM_000252.3 (MANE Select); 134 bases into the intron after coding-DNA position 1260, C replaced by T.
Molecular consequence: intron variant.
Genome position (GRCh38, 1-based): chrX:150,658,161, C>T. VCF-style: chrX-150658161-C-T. GRCh37 (hg19) VCF-style: chrX-149826634-C-T.
Other names: NC_000023.10:g.149826634C>T; c.1260+134C>T (NM_001376908.1, NM_001376906.1); c.1149+134C>T (NM_001376907.1).
Identifiers: ClinVar variation 676679 (VCV000676679.2), dbSNP rs144266984, ClinGen allele CA337093026.

ClinVar aggregate classification (germline): Likely benign (1 of 4 stars; one submission).

Allele frequency attached by ClinVar (database versions not stated): 1000 Genomes Project 30x 0.00583; 1000 Genomes Project 0.00636; TOPMed 0.01457; gnomAD 0.01718 and 0.01748.
gnomAD v4.1: 11,337 of 531,305 alleles (2.1%); highest among the groups gnomAD compares: Non-Finnish European, 2.7%; 137 homozygotes.

Submissions (5):

GeneDx
Classification: Likely benign. Last evaluated: 2018-06-16. Review status: criteria provided, single submitter. Criteria: GeneDx Variant Classification (06012015). Collection method: clinical testing. Allele origin: germline. Affected: yes.
Comment: This variant is considered likely benign or benign based on one or more of the following criteria: it is a conservative change, it occurs at a poorly conserved position in the protein, it is predicted to be benign by multiple in silico algorithms, and/or has population frequency not consistent with disease.

Dr. Peter K. Rogan Lab, Western University
No classification provided (evidence only). Condition: Lung cancer. Review status: no classification provided. Collection method: in vitro. Allele origin: not applicable. Functional consequence: retained intron. Not counted in ClinVar's aggregate classification.

Dr. Peter K. Rogan Lab, Western University
No classification provided (evidence only). Condition: Gastric cancer. Review status: no classification provided. Collection method: in vitro. Allele origin: not applicable. Functional consequence: retained intron. Not counted in ClinVar's aggregate classification.

Dr. Peter K. Rogan Lab, Western University
No classification provided (evidence only). Condition: Malignant tumor of esophagus. Review status: no classification provided. Collection method: in vitro. Allele origin: not applicable. Functional consequence: retained intron. Not counted in ClinVar's aggregate classification.

Dr. Peter K. Rogan Lab, Western University
No classification provided (evidence only). Condition: Ovarian cancer. Review status: no classification provided. Collection method: in vitro. Allele origin: not applicable. Functional consequence: retained intron. Not counted in ClinVar's aggregate classification.